The following is an entry in ClinVar:

ClinVar aggregate classification (germline): Likely benign (1 of 4 stars; one submission).

Conditions:
LENG8-related disorder. Also called: LENG8-related condition.

gnomAD v4.1: 13 of 1,613,998 alleles (0.00081%); highest among the groups gnomAD compares: African/African-American, 0.004%; no homozygotes.

Submission:

PreventionGenetics, part of Exact Sciences
Classification: Likely benign for LENG8-related condition. Last evaluated: 2025-02-07. Review status: criteria provided, single submitter. Criteria: ACMG Guidelines, 2015. Collection method: clinical testing. Allele origin: germline.
Comment: This variant is classified as likely benign based on ACMG/AMP sequence variant interpretation guidelines (Richards et al. 2015 PMID: 25741868, with internal and published modifications).

NM_052925.4(LENG8):c.2032+7C>T

Gene: LENG8 (leukocyte receptor cluster member 8; plus strand). Cytogenetic location: 19q13.42.
Variant type: single nucleotide variant.
Coding change: c.2032+7C>T on transcript NM_052925.4 (MANE Select); 7 bases into the intron after coding-DNA position 2032, C replaced by T.
Molecular consequence: intron variant.
Genome position (GRCh38, 1-based): chr19:54,458,239, C>T. VCF-style: chr19-54458239-C-T. GRCh37 (hg19) VCF-style: chr19-54969418-C-T.
Other names: c.2032+7C>T (NM_001375638.1, NM_001375641.1, NM_001438286.1 and 2 more transcripts); c.1921+7C>T (NM_001438284.1, NM_001438289.1, NM_001437985.1 and 3 more transcripts); c.1978+7C>T (NM_001375639.1, NM_001438283.1); c.1867+7C>T (NM_001438285.1).
Identifiers: ClinVar variation 4978391 (VCV004978391.1).
Genomic context (GRCh38, chr19:54,458,239, plus strand): 5'-GCGAGTTTACTGCCTACCGAATCCTCTACTACATCTTCACCAAGAACTCGGGAGGTGAGG[C>T]CCAGTCCCCAGGACAGAGGCCATGGTACCCAGGGTTGAGCCCTGCTGACTTCACCCTCTT-3'